The following is an entry in ClinVar:

ClinVar aggregate classification (germline): Pathogenic. Review status: criteria provided, single submitter (1 of 4 stars). 2 submissions from 2 submitters: Pathogenic (1). 1 of the submissions does not count toward it. Last evaluated 2020-12-04.

Conditions:
Phenylketonuria (PKU). Also called: Phenylketonuria (PKU); FOLLING DISEASE; OLIGOPHRENIA PHENYLPYRUVICA; Phenylketonurias. Identifiers: Orphanet 716, MedGen C0031485, MONDO:0009861, OMIM 261600. Disease mechanism: loss of function.

Submissions (2):

Labcorp Genetics (formerly Invitae), Labcorp
Classification: Pathogenic for Phenylketonuria. Last evaluated: 2020-12-04. Review status: criteria provided, single submitter. Criteria: Invitae Variant Classification Sherloc (09022015). Collection method: clinical testing. Allele origin: germline.
Comment: For these reasons, this variant has been classified as Pathogenic. This variant disrupts the p.Arg176 amino acid residue in PAH. Other variant(s) that disrupt this residue have been determined to be pathogenic (PMID: 8088845, 23500595, 27121329). This suggests that this residue is clinically significant, and that variants that disrupt this residue are likely to be disease-causing. This sequence change replaces arginine with proline at codon 176 of the PAH protein (p.Arg176Pro). The arginine residue is moderately conserved and there is a moderate physicochemical difference between arginine and proline. This variant is not present in population databases (ExAC no frequency). This variant has been observed in individual(s) with hyperphenylalaninemia (PMID: 12655554). ClinVar contains an entry for this variant (Variation ID: 102725). Advanced modeling of protein sequence and biophysical properties (such as structural, functional, and spatial information, amino acid conservation, physicochemical variation, residue mobility, and thermodynamic stability) performed at Invitae indicates that this missense variant is expected to disrupt PAH protein function.

DeBelle Laboratory for Biochemical Genetics, MUHC/MCH RESEARCH INSTITUTE
No classification provided. Review status: no classification provided. Collection method: not provided. Allele origin: not provided. Not counted in ClinVar's aggregate classification.

Literature cited by the submitters: PubMed 8088845 (cited by Labcorp Genetics (formerly Invitae), Labcorp); PubMed 23500595 (cited by Labcorp Genetics (formerly Invitae), Labcorp); PubMed 27121329 (cited by Labcorp Genetics (formerly Invitae), Labcorp); PubMed 12655554 (cited by Labcorp Genetics (formerly Invitae), Labcorp).

NM_000277.3(PAH):c.527G>C (p.Arg176Pro)

Gene: PAH (phenylalanine hydroxylase; minus strand). Cytogenetic location: 12q23.2.
Variant type: single nucleotide variant.
Coding change: c.527G>C on transcript NM_000277.3 (MANE Select); coding-DNA position 527, G replaced by C.
Protein change: p.Arg176Pro; replaces arginine 176 with proline.
Molecular consequence: missense variant.
Genome position (GRCh38, 1-based): chr12:102,855,315, C>G on the plus strand (G>C on the coding strand, the complement: PAH is on the minus strand). VCF-style: chr12-102855315-C-G. GRCh37 (hg19) VCF-style: chr12-103249093-C-G.
Other names: c.527G>C, p.Arg176Pro (NM_001354304.2); short protein forms R176P.
Identifiers: ClinVar variation 102725 (VCV000102725.7), dbSNP rs74486803, ClinGen allele CA229608.